The following is an entry in ClinVar:

ClinVar aggregate classification (germline): Uncertain significance. Review status: criteria provided, multiple submitters, no conflicts (2 of 4 stars). 2 submissions from 2 submitters: Uncertain significance (2). Last evaluated 2026-07-06.

Conditions:
Hereditary cancer-predisposing syndrome. Also called: Hereditary Cancer Syndrome; Tumor predisposition; Neoplastic Syndromes, Hereditary; Hereditary neoplastic syndrome. Identifiers: Orphanet 140162, MedGen C0027672, MeSH D009386, MONDO:0015356.
Rhabdoid tumor predisposition syndrome 2 (RTPS2). Identifiers: Orphanet 231108, Orphanet 69077, MedGen C2750074, MONDO:0013224, OMIM 613325.

Submissions (2):

Ambry Genetics
Classification: Uncertain significance for Hereditary cancer-predisposing syndrome. Last evaluated: 2026-07-06. Review status: criteria provided, single submitter. Criteria: Ambry Variant Classification Scheme 2023. Collection method: clinical testing. Allele origin: germline.
Comment: The p.D158E variant (also known as c.474C>A), located in coding exon 3 of the SMARCA4 gene, results from a C to A substitution at nucleotide position 474. The aspartic acid at codon 158 is replaced by glutamic acid, an amino acid with highly similar properties. This amino acid position is conserved. In addition, this alteration is predicted to be tolerated by in silico analysis. Based on the available evidence, the clinical significance of this variant remains unclear.

Labcorp Genetics (formerly Invitae), Labcorp
Classification: Uncertain significance for Rhabdoid tumor predisposition syndrome 2. Last evaluated: 2022-01-20. Review status: criteria provided, single submitter. Criteria: Invitae Variant Classification Sherloc (09022015). Collection method: clinical testing. Allele origin: germline.
Comment: In summary, the available evidence is currently insufficient to determine the role of this variant in disease. Therefore, it has been classified as a Variant of Uncertain Significance. Algorithms developed to predict the effect of missense changes on protein structure and function (SIFT, PolyPhen-2, Align-GVGD) all suggest that this variant is likely to be tolerated. This variant has not been reported in the literature in individuals affected with SMARCA4-related conditions. This variant is not present in population databases (gnomAD no frequency). This sequence change replaces aspartic acid, which is acidic and polar, with glutamic acid, which is acidic and polar, at codon 158 of the SMARCA4 protein (p.Asp158Glu).

NM_003072.5(SMARCA4):c.474C>A (p.Asp158Glu)

Gene: SMARCA4 (SWI/SNF related BAF chromatin remodeling complex subunit ATPase 4; plus strand). Cytogenetic location: 19p13.2.
Variant type: single nucleotide variant.
Coding change: c.474C>A on transcript NM_003072.5 (MANE Select); coding-DNA position 474, C replaced by A.
Protein change: p.Asp158Glu; replaces aspartic acid 158 with glutamic acid.
Molecular consequence: missense variant. On other transcripts: non-coding transcript variant (1).
Genome position (GRCh38, 1-based): chr19:10,986,307, C>A. VCF-style: chr19-10986307-C-A. GRCh37 (hg19) VCF-style: chr19-11096983-C-A.
Other names: c.474C>A, p.Asp158Glu (NM_001128844.3, NM_001128845.2, NM_001128846.2 and 5 more transcripts); c.474C>A (NM_001128849.1); short protein forms D158E.
Identifiers: ClinVar variation 1444634 (VCV001444634.9), dbSNP rs1599950027, ClinGen allele CA404056067.